The following is an entry in ClinVar:

ClinVar aggregate classification (germline): Uncertain significance (1 of 4 stars; one submission).

gnomAD v4.1: 14 of 1,614,128 alleles (0.00087%); highest among the groups gnomAD compares: East Asian, 0.02%; no homozygotes.

Submission:

Labcorp Genetics (formerly Invitae), Labcorp
Classification: Uncertain significance. Last evaluated: 2025-10-08. Review status: criteria provided, single submitter. Criteria: Invitae Variant Classification Sherloc (09022015). Collection method: clinical testing. Allele origin: germline.
Comment: This sequence change replaces threonine, which is neutral and polar, with alanine, which is neutral and non-polar, at codon 774 of the MCM4 protein (p.Thr774Ala). This variant is not present in population databases (gnomAD no frequency). This variant has not been reported in the literature in individuals affected with MCM4-related conditions. Invitae Evidence Modeling of protein sequence and biophysical properties (such as structural, functional, and spatial information, amino acid conservation, physicochemical variation, residue mobility, and thermodynamic stability) indicates that this missense variant is not expected to disrupt MCM4 protein function with a negative predictive value of 80%. In summary, the available evidence is currently insufficient to determine the role of this variant in disease. Therefore, it has been classified as a Variant of Uncertain Significance.

NM_182746.3(MCM4):c.2320A>G (p.Thr774Ala)

Gene: MCM4 (minichromosome maintenance complex component 4; plus strand). Cytogenetic location: 8q11.21.
Variant type: single nucleotide variant.
Coding change: c.2320A>G on transcript NM_182746.3 (MANE Select); coding-DNA position 2320, A replaced by G.
Protein change: p.Thr774Ala; replaces threonine 774 with alanine.
Molecular consequence: missense variant.
Genome position (GRCh38, 1-based): chr8:47,974,917, A>G. VCF-style: chr8-47974917-A-G. GRCh37 (hg19) VCF-style: chr8-48887477-A-G.
Other names: c.2320A>G, p.Thr774Ala (NM_005914.4); short protein forms T774A.
Identifiers: ClinVar variation 4780529 (VCV004780529.1).